The following is an entry in ClinVar:

NM_024426.6(WT1):c.638G>A (p.Ser213Asn)

Genes: WT1 (WT1 transcription factor; minus strand), LOC107982234 (WT1/WT1-AS bi-directional promoter region; plus strand). Cytogenetic location: 11p13.
Variant type: single nucleotide variant.
Coding change: c.638G>A on transcript NM_024426.6 (MANE Select); coding-DNA position 638, G replaced by A.
Protein change: p.Ser213Asn; replaces serine 213 with asparagine.
Molecular consequence: missense variant. On other transcripts: non-coding transcript variant (1).
Genome position (GRCh38, 1-based): chr11:32,434,723, C>T on the plus strand (G>A on the coding strand, the complement: WT1 is on the minus strand). VCF-style: chr11-32434723-C-T. GRCh37 (hg19) VCF-style: chr11-32456269-C-T.
Other names: c.638G>A, p.Ser213Asn (NM_000378.6, NM_024424.5); short protein forms S213N.
Identifiers: ClinVar variation 948083 (VCV000948083.10), dbSNP rs746964440, ClinGen allele CA065145.

ClinVar aggregate classification (germline): Uncertain significance. Review status: criteria provided, multiple submitters, no conflicts (2 of 4 stars). 3 submissions from 3 submitters: Uncertain significance (3). Last evaluated 2025-02-03.

Conditions:
Frasier syndrome. Identifiers: Orphanet 347, MedGen C0950122, MeSH D052159, MONDO:0007635, OMIM 136680.
Drash syndrome (DDS). Also called: NEPHROPATHY, WILMS TUMOR, AND GENITAL ANOMALIES; WILMS TUMOR AND PSEUDO- OR TRUE HERMAPHRODITISM. Identifiers: Orphanet 220, MedGen C0950121, MONDO:0008682, OMIM 194080.
Wilms tumor 1 (WT1). Also called: Wilms tumor, somatic. Identifiers: Orphanet 654, MedGen CN033288, MONDO:0008679, OMIM 194070.
11p partial monosomy syndrome (WAGR). Also called: WAGR Complex; WAGR syndrome; WAGR Spectrum Disorder; CHROMOSOME 11p13 DELETION SYNDROME. Identifiers: Orphanet 893, MedGen C0206115, MONDO:0008681, OMIM 194072.
Inborn genetic diseases. Identifiers: MedGen C0950123, MeSH D030342.

Allele frequency attached by ClinVar (database versions not stated): gnomAD exomes below 0.00001; ExAC 0.00001; TOPMed 0.00001.
gnomAD v4.1: 2 of 1,613,020 alleles (0.00012%); highest among the groups gnomAD compares: African/African-American, 0.0027%; no homozygotes.

Submissions (3):

Ambry Genetics
Classification: Uncertain significance for Inborn genetic diseases. Last evaluated: 2025-02-03. Review status: criteria provided, single submitter. Criteria: Ambry Variant Classification Scheme 2023. Collection method: clinical testing. Allele origin: germline.
Comment: The p.S208N variant (also known as c.623G>A), located in coding exon 1 of the WT1 gene, results from a G to A substitution at nucleotide position 623. The serine at codon 208 is replaced by asparagine, an amino acid with highly similar properties. This amino acid position is conserved. In addition, this alteration is predicted to be tolerated by in silico analysis. Based on the available evidence, the clinical significance of this variant remains unclear.

Labcorp Genetics (formerly Invitae), Labcorp
Classification: Uncertain significance for Wilms tumor 1; Drash syndrome; 11p partial monosomy syndrome; Frasier syndrome. Last evaluated: 2023-08-24. Review status: criteria provided, single submitter. Criteria: Invitae Variant Classification Sherloc (09022015). Collection method: clinical testing. Allele origin: germline.
Comment: In summary, the available evidence is currently insufficient to determine the role of this variant in disease. Therefore, it has been classified as a Variant of Uncertain Significance. An algorithm developed to predict the effect of missense changes on protein structure and function (PolyPhen-2) suggests that this variant is likely to be tolerated. ClinVar contains an entry for this variant (Variation ID: 948083). This variant has not been reported in the literature in individuals affected with WT1-related conditions. This variant is present in population databases (rs746964440, gnomAD 0.007%). This sequence change replaces serine, which is neutral and polar, with asparagine, which is neutral and polar, at codon 208 of the WT1 protein (p.Ser208Asn).

Baylor Genetics
Classification: Uncertain significance for Drash syndrome. Last evaluated: 2023-06-14. Review status: criteria provided, single submitter. Criteria: ACMG Guidelines, 2015. Collection method: clinical testing. Allele origin: unknown.